The following is an entry in ClinVar:

ClinVar aggregate classification (germline): Conflicting classifications of pathogenicity. Review status: criteria provided, conflicting classifications (1 of 4 stars). 5 submissions from 5 submitters: Uncertain significance (4); Likely benign (1). Last evaluated 2025-08-08.

Conditions:
Inborn genetic diseases. Identifiers: MedGen C0950123, MeSH D030342.

Allele frequency attached by ClinVar (database versions not stated): gnomAD exomes 0.00001 and 0.00004; ExAC 0.00004; gnomAD 0.00020 and 0.00021; TOPMed 0.00057; 1000 Genomes Project 0.00060; 1000 Genomes Project 30x 0.00062.
gnomAD v4.1: 68 of 1,611,944 alleles (0.0042%); highest among the groups gnomAD compares: Admixed American, 0.078%; 1 homozygote.

Submissions (5):

Ambry Genetics
Classification: Likely benign for Inborn genetic diseases. Last evaluated: 2025-08-08. Review status: criteria provided, single submitter. Criteria: Ambry Variant Classification Scheme 2023. Collection method: clinical testing. Allele origin: germline.

Blueprint Genetics
Classification: Uncertain significance. Last evaluated: 2024-02-23. Review status: criteria provided, single submitter. Criteria: ACMG Guidelines, 2015. Collection method: clinical testing. Allele origin: germline.

Labcorp Genetics (formerly Invitae), Labcorp
Classification: Uncertain significance. Last evaluated: 2022-03-15. Review status: criteria provided, single submitter. Criteria: Invitae Variant Classification Sherloc (09022015). Collection method: clinical testing. Allele origin: germline.
Comment: This sequence change replaces alanine, which is neutral and non-polar, with valine, which is neutral and non-polar, at codon 212 of the INPPL1 protein (p.Ala212Val). The frequency data for this variant in the population databases is considered unreliable, as metrics indicate poor data quality at this position in the gnomAD database. This variant has not been reported in the literature in individuals affected with INPPL1-related conditions. Algorithms developed to predict the effect of missense changes on protein structure and function output the following: SIFT: "Tolerated"; PolyPhen-2: "Benign"; Align-GVGD: "Class C0". The valine amino acid residue is found in multiple mammalian species, which suggests that this missense change does not adversely affect protein function. In summary, the available evidence is currently insufficient to determine the role of this variant in disease. Therefore, it has been classified as a Variant of Uncertain Significance.

GeneDx
Classification: Uncertain significance. Last evaluated: 2021-11-01. Review status: criteria provided, single submitter. Criteria: GeneDx Variant Classification Process June 2021. Collection method: clinical testing. Allele origin: germline. Affected: yes.
Comment: In silico analysis supports that this missense variant does not alter protein structure/function; Has not been previously published as pathogenic or benign to our knowledge

Breakthrough Genomics
Classification: Uncertain significance. Review status: criteria provided, single submitter. Criteria: ACMG Guidelines, 2015. Collection method: not provided. Allele origin: germline. Inheritance: Autosomal recessive inheritance. Affected: yes.

NM_001567.4(INPPL1):c.635C>T (p.Ala212Val)

Gene: INPPL1 (inositol polyphosphate phosphatase like 1; plus strand). Cytogenetic location: 11q13.4.
Variant type: single nucleotide variant.
Coding change: c.635C>T on transcript NM_001567.4 (MANE Select); coding-DNA position 635, C replaced by T.
Protein change: p.Ala212Val; replaces alanine 212 with valine.
Molecular consequence: missense variant.
Genome position (GRCh38, 1-based): chr11:72,229,206, C>T. VCF-style: chr11-72229206-C-T. GRCh37 (hg19) VCF-style: chr11-71940250-C-T.
Other names: short protein forms A212V.
Identifiers: ClinVar variation 1425109 (VCV001425109.7), dbSNP rs550597792, ClinGen allele CA6169723.